The following is an entry in ClinVar:

NM_001291303.3(FAT4):c.12605-102C>T

Gene: FAT4 (FAT atypical cadherin 4; plus strand). Cytogenetic location: 4q28.1.
Variant type: single nucleotide variant.
Coding change: c.12605-102C>T on transcript NM_001291303.3 (MANE Select); 102 bases into the intron before coding-DNA position 12605, C replaced by T.
Molecular consequence: intron variant.
Genome position (GRCh38, 1-based): chr4:125,481,419, C>T. VCF-style: chr4-125481419-C-T. GRCh37 (hg19) VCF-style: chr4-126402574-C-T.
Other names: c.12605-102C>T (NM_001291285.3); c.12599-102C>T (NM_024582.6).
Identifiers: ClinVar variation 1174174 (VCV001174174.4), dbSNP rs10026056, ClinGen allele CA104870251.
Genomic context (GRCh38, chr4:125,481,419, plus strand): 5'-ATGATTCATAAATGGAAATTATTTTTTAAGAGTAGAGTTGGGGGACATTAATTCCCAAAA[C>T]GACATTTTCATTGTCCTTTTTATATTTTTGTCACTATAGAAAACACTCCAAGAAATGCCA-3'

ClinVar aggregate classification (germline): Benign. Review status: criteria provided, multiple submitters, no conflicts (2 of 4 stars). 3 submissions from 3 submitters: Benign (3). Last evaluated 2024-01-24.

Allele frequency attached by ClinVar (database versions not stated): 1000 Genomes Project 0.47664; 1000 Genomes Project 30x 0.47751; TOPMed 0.54597; gnomAD 0.55676 and 0.56301.
gnomAD v4.1: 528,314 of 951,414 alleles (56%); highest among the groups gnomAD compares: Middle Eastern, 62%; 149,475 homozygotes.

Submissions (3):

Unidad de Genómica Garrahan, Hospital de Pediatría Garrahan
Classification: Benign. Last evaluated: 2024-01-24. Review status: criteria provided, single submitter. Criteria: ACMG Guidelines, 2015. Collection method: clinical testing. Allele origin: germline. Affected: no. Observed: 22 variant alleles.
Comment: This variant is classified as Benign based on local population frequency. This variant was detected in 23% of patients studied by a panel of primary immunodeficiencies. Number of patients: 22. Only high quality variants are reported.

GeneDx
Classification: Benign. Last evaluated: 2018-06-26. Review status: criteria provided, single submitter. Criteria: GeneDx Variant Classification (06012015). Collection method: clinical testing. Allele origin: germline. Affected: yes.

Breakthrough Genomics
Classification: Benign. Review status: criteria provided, single submitter. Criteria: ACMG Guidelines, 2015. Collection method: not provided. Allele origin: germline. Inheritance: Autosomal recessive inheritance. Affected: yes.